The following is an entry in ClinVar:

NM_018834.6(MATR3):c.1179A>G (p.Arg393=)

Gene: MATR3 (matrin 3; plus strand). Cytogenetic location: 5q31.2.
Variant type: single nucleotide variant.
Coding change: c.1179A>G on transcript NM_018834.6 (MANE Select); coding-DNA position 1179, A replaced by G.
Protein change: p.Arg393=; no amino-acid change (arginine 393 retained).
Molecular consequence: synonymous variant.
Genome position (GRCh38, 1-based): chr5:139,317,102, A>G. VCF-style: chr5-139317102-A-G. GRCh37 (hg19) VCF-style: chr5-138652791-A-G.
Other names: c.1179A>G, p.Arg393= (NM_001194954.2, NM_001194955.2, NM_199189.3); c.315A>G, p.Arg105= (NM_001194956.2); c.165A>G, p.Arg55= (NM_001282278.2).
Identifiers: ClinVar variation 907852 (VCV000907852.6), dbSNP rs747566193, ClinGen allele CA446604366.
Genomic context (GRCh38, chr5:139,317,102, plus strand): 5'-TTCCCATAAAGGTGCTGGAAATGGAAACCTGCAAGGACCTAGACACATGCAGAAAGGCAG[A>G]GTGGTCAGTAATGAAGCTTTTGGTTTTACTGTATTTATGATTTTTGGGAATATGATTTGA-3'
Protein context (NP_061322.2, residues 383-403): LQGPRHMQKG[Arg393=]VETSRVVHIM

ClinVar aggregate classification (germline): Uncertain significance. Review status: criteria provided, multiple submitters, no conflicts (2 of 4 stars). 2 submissions from 2 submitters: Uncertain significance (2). Last evaluated 2024-04-30.

Conditions:
Amyotrophic lateral sclerosis type 21. Also called: MYOPATHY, DISTAL, 2; VOCAL CORD AND PHARYNGEAL DYSFUNCTION WITH DISTAL MYOPATHY. Identifiers: Orphanet 600, Orphanet 803, MedGen C3807521, MONDO:0011632, OMIM 606070.

Allele frequency attached by ClinVar (database versions not stated): gnomAD 0.00001; TOPMed 0.00001.
gnomAD v4.1: 2 of 1,613,898 alleles (0.00012%); highest among the groups gnomAD compares: Non-Finnish European, 0.00017%; no homozygotes.

Submissions (2):

Labcorp Genetics (formerly Invitae), Labcorp
Classification: Uncertain significance for Amyotrophic lateral sclerosis type 21. Last evaluated: 2024-04-30. Review status: criteria provided, single submitter. Criteria: Invitae Variant Classification Sherloc (09022015). Collection method: clinical testing. Allele origin: germline.
Comment: This sequence change affects codon 393 of the MATR3 mRNA. It is a 'silent' change, meaning that it does not change the encoded amino acid sequence of the MATR3 protein. This variant is not present in population databases (gnomAD no frequency). This variant has not been reported in the literature in individuals affected with MATR3-related conditions. ClinVar contains an entry for this variant (Variation ID: 907852). Algorithms developed to predict the effect of sequence changes on RNA splicing suggest that this variant may disrupt the consensus splice site. In summary, the available evidence is currently insufficient to determine the role of this variant in disease. Therefore, it has been classified as a Variant of Uncertain Significance.

Illumina Laboratory Services, Illumina
Classification: Uncertain significance for Amyotrophic lateral sclerosis type 21. Last evaluated: 2018-01-13. Review status: criteria provided, single submitter. Criteria: ICSL Variant Classification Criteria 13 December 2019. Collection method: clinical testing. Allele origin: germline.